The following is an entry in ClinVar:

ClinVar aggregate classification (germline): Likely benign (1 of 4 stars; one submission).

Conditions:
Congenital stromal corneal dystrophy (CSCD). Identifiers: Orphanet 101068, MedGen C1864738, MONDO:0012401, OMIM 610048.

Allele frequency attached by ClinVar (database versions not stated): TOPMed 0.00001; gnomAD 0.00004; gnomAD exomes 0.00005; ExAC 0.00007; ESP Exome Variant Server 0.00015.
gnomAD v4.1: 81 of 1,614,016 alleles (0.005%); highest among the groups gnomAD compares: South Asian, 0.0066%; no homozygotes.

Submission:

Illumina Laboratory Services, Illumina
Classification: Likely benign for Congenital stromal corneal dystrophy. Last evaluated: 2018-01-13. Review status: criteria provided, single submitter. Criteria: ICSL Variant Classification Criteria 13 December 2019. Collection method: clinical testing. Allele origin: germline.
Comment: This variant was observed in the ICSL laboratory as part of a predisposition screen in an ostensibly healthy population. It had not been previously curated by ICSL or reported in the Human Gene Mutation Database (HGMD: prior to June 1st, 2018), and was therefore a candidate for classification through an automated scoring system. Utilizing variant allele frequency, disease prevalence and penetrance estimates, and inheritance mode, an automated score was calculated to assess if this variant is too frequent to cause the disease. Based on the score and internal cut-off values, a variant classified as likely benign is not then subjected to further curation. The score for this variant resulted in a classification of likely benign for this disease.

NM_001920.5(DCN):c.879C>T (p.Tyr293=)

Gene: DCN (decorin; minus strand). Cytogenetic location: 12q21.33.
Variant type: single nucleotide variant.
Coding change: c.879C>T on transcript NM_001920.5 (MANE Select); coding-DNA position 879, C replaced by T.
Protein change: p.Tyr293=; no amino-acid change (tyrosine 293 retained).
Molecular consequence: synonymous variant. On other transcripts: intron variant (2).
Genome position (GRCh38, 1-based): chr12:91,151,660, G>A on the plus strand (C>T on the coding strand, the complement: DCN is on the minus strand). VCF-style: chr12-91151660-G-A. GRCh37 (hg19) VCF-style: chr12-91545437-G-A.
Other names: c.879C>T, p.Tyr293= (NM_133503.4); c.552C>T, p.Tyr184= (NM_133504.3); c.438C>T, p.Tyr146= (NM_133505.3); c.212-5408C>T (NM_133507.3); c.325-5408C>T (NM_133506.3).
Identifiers: ClinVar variation 310655 (VCV000310655.5), dbSNP rs144307891, ClinGen allele CA6716940.